The following is an entry in ClinVar:

NM_145068.4(TRPV3):c.1628C>T (p.Ala543Val)

Gene: TRPV3 (transient receptor potential cation channel subfamily V member 3; minus strand). Cytogenetic location: 17p13.2.
Variant type: single nucleotide variant.
Coding change: c.1628C>T on transcript NM_145068.4 (MANE Select); coding-DNA position 1628, C replaced by T.
Protein change: p.Ala543Val; replaces alanine 543 with valine.
Molecular consequence: missense variant.
Genome position (GRCh38, 1-based): chr17:3,524,313, G>A on the plus strand (C>T on the coding strand, the complement: TRPV3 is on the minus strand). VCF-style: chr17-3524313-G-A. GRCh37 (hg19) VCF-style: chr17-3427607-G-A.
Other names: c.1628C>T (NM_145068.3); c.1628C>T, p.Ala543Val (NM_001258205.2); short protein forms A543V.
Identifiers: ClinVar variation 3974442 (VCV003974442.2).

ClinVar aggregate classification (germline): Uncertain significance. Review status: criteria provided, multiple submitters, no conflicts (2 of 4 stars). 2 submissions from 2 submitters: Uncertain significance (2). Last evaluated 2025-08-14.

Conditions:
Inborn genetic diseases. Identifiers: MedGen C0950123, MeSH D030342.

gnomAD v4.1: 8 of 1,614,246 alleles (0.0005%); highest among the groups gnomAD compares: Non-Finnish European, 0.00059%; no homozygotes.

Submissions (2):

GeneDx
Classification: Uncertain significance. Last evaluated: 2025-08-14. Review status: criteria provided, single submitter. Criteria: GeneDx Variant Classification Process June 2021. Collection method: clinical testing. Allele origin: germline. Affected: yes.
Comment: In silico analysis suggests that this missense variant does not alter protein structure/function; Has not been previously published as pathogenic or benign to our knowledge

Ambry Genetics
Classification: Uncertain significance for Inborn genetic diseases. Last evaluated: 2025-03-30. Review status: criteria provided, single submitter. Criteria: Ambry Variant Classification Scheme 2023. Collection method: clinical testing. Allele origin: germline.